The following is an entry in ClinVar:

ClinVar aggregate classification (germline): Uncertain significance (1 of 4 stars; one submission).

Conditions:
Emery-Dreifuss muscular dystrophy 5, autosomal dominant (EDMD5). Also called: EMERY-DREIFUSS MUSCULAR DYSTROPHY 5. Identifiers: Orphanet 261, MedGen C2751805, MONDO:0013072, OMIM 612999.

Allele frequency attached by ClinVar (database versions not stated): TOPMed below 0.00001; gnomAD 0.00001.
gnomAD v4.1: 7 of 1,613,960 alleles (0.00043%); highest among the groups gnomAD compares: East Asian, 0.0067%; no homozygotes.

Submission:

Labcorp Genetics (formerly Invitae), Labcorp
Classification: Uncertain significance for Emery-Dreifuss muscular dystrophy 5, autosomal dominant. Last evaluated: 2025-06-20. Review status: criteria provided, single submitter. Criteria: Invitae Variant Classification Sherloc (09022015). Collection method: clinical testing. Allele origin: germline.
Comment: This sequence change replaces arginine, which is basic and polar, with tryptophan, which is neutral and slightly polar, at codon 5689 of the SYNE2 protein (p.Arg5689Trp). This variant is present in population databases (rs540618925, gnomAD 0.005%). This variant has not been reported in the literature in individuals affected with SYNE2-related conditions. ClinVar contains an entry for this variant (Variation ID: 2162190). An algorithm developed to predict the effect of missense changes on protein structure and function outputs the following: PolyPhen-2: "Benign". The tryptophan amino acid residue is found in multiple mammalian species, which suggests that this missense change does not adversely affect protein function. In summary, the available evidence is currently insufficient to determine the role of this variant in disease. Therefore, it has been classified as a Variant of Uncertain Significance.

NM_182914.3(SYNE2):c.17065C>T (p.Arg5689Trp)

Gene: SYNE2 (spectrin repeat containing nuclear envelope protein 2; plus strand). Cytogenetic location: 14q23.2.
Variant type: single nucleotide variant.
Coding change: c.17065C>T on transcript NM_182914.3 (MANE Select); coding-DNA position 17065, C replaced by T.
Protein change: p.Arg5689Trp; replaces arginine 5689 with tryptophan.
Molecular consequence: missense variant.
Genome position (GRCh38, 1-based): chr14:64,170,292, C>T. VCF-style: chr14-64170292-C-T. GRCh37 (hg19) VCF-style: chr14-64637010-C-T.
Other names: c.17065C>T, p.Arg5689Trp (NM_015180.6); short protein forms R5689W.
Identifiers: ClinVar variation 2162190 (VCV002162190.4), dbSNP rs540618925, ClinGen allele CA7223588.
Genomic context (GRCh38, chr14:64,170,292, plus strand): 5'-GAATTTATTACAGAATTCTCAAAGCTGACGGATCGGTGGCAGAATGCTGTCCAGGGTGTT[C>T]GGCAGAGGAAGGGTGACGTTGATGGGCTGGTGAGGCAGTGGCAAGATTTCACTACTTCTG-3'
Protein context (NP_878918.2, residues 5679-5699): DRWQNAVQGV[Arg5689Trp]QRKGDVDGLV